The following is an entry in ClinVar:

ClinVar aggregate classification (germline): Conflicting classifications of pathogenicity. Review status: criteria provided, conflicting classifications (1 of 4 stars). 5 submissions from 5 submitters: Uncertain significance (1); Benign (1); Likely benign (3). Last evaluated 2025-10-29.

Conditions:
Familial thoracic aortic aneurysm and aortic dissection (TAAD). Also called: Thoracic aortic aneurysms and dissections. Identifiers: Orphanet 91387, MedGen C4707243, MONDO:0019625.
Shprintzen-Goldberg syndrome (SGS). Also called: SHPRINTZEN-GOLDBERG CRANIOSYNOSTOSIS SYNDROME; CRANIOSYNOSTOSIS WITH ARACHNODACTYLY AND ABDOMINAL HERNIAS; Marfanoid disorder with craniosynostosis type 1; Marfanoid craniosynostosis syndrome; Shprintzen-Goldberg marfanoid syndrome. Identifiers: Orphanet 2462, MedGen C1321551, MONDO:0008426, OMIM 182212.
SKI-related disorder. Also called: SKI-related condition.

Allele frequency attached by ClinVar (database versions not stated): gnomAD exomes 0.00003 and 0.00004; TOPMed 0.00003; gnomAD 0.00005; ExAC 0.00009.

Submissions (5):

Labcorp Genetics (formerly Invitae), Labcorp
Classification: Likely benign for Shprintzen-Goldberg syndrome. Last evaluated: 2025-10-29. Review status: criteria provided, single submitter. Criteria: Invitae Variant Classification Sherloc (09022015). Collection method: clinical testing. Allele origin: germline.

Laboratory of Genetics, Children's Clinical University Hospital Latvia
Classification: Benign. Last evaluated: 2025-02-16. Review status: criteria provided, single submitter. Criteria: ACMG Guidelines, 2015. Collection method: clinical testing. Allele origin: germline. Affected: yes.

Ambry Genetics
Classification: Likely benign for Familial thoracic aortic aneurysm and aortic dissection. Last evaluated: 2024-08-19. Review status: criteria provided, single submitter. Criteria: Ambry Variant Classification Scheme 2023. Collection method: clinical testing. Allele origin: germline.

Blueprint Genetics
Classification: Likely benign. Last evaluated: 2023-08-21. Review status: criteria provided, single submitter. Criteria: ACMG Guidelines, 2015. Collection method: clinical testing. Allele origin: germline.

Petrovsky National Research Centre of Surgery, The Federal Agency for Scientific Organizations
Classification: Uncertain significance for SKI-related disorder. Review status: criteria provided, single submitter. Criteria: ACMG Guidelines, 2015. Collection method: clinical testing. Allele origin: germline. Affected: yes.
Comment: This variant is in The Genome Aggregation Database (gnomAD) v4.1.0 with total MAF 0.00002681 (Date of access 29-11-2024). In accordance with ACMG(2015) criteria this variant is classified as Variant of Uncertain Significance (VUS) with following criteria selected: PP3, PM2.

NM_003036.4(SKI):c.1636C>T (p.Arg546Trp)

Gene: SKI (SKI proto-oncogene; plus strand). Cytogenetic location: 1p36.32.
Variant type: single nucleotide variant.
Coding change: c.1636C>T on transcript NM_003036.4 (MANE Select); coding-DNA position 1636, C replaced by T.
Protein change: p.Arg546Trp; replaces arginine 546 with tryptophan.
Molecular consequence: missense variant.
Genome position (GRCh38, 1-based): chr1:2,304,454, C>T. VCF-style: chr1-2304454-C-T. GRCh37 (hg19) VCF-style: chr1-2235893-C-T.
Other names: short protein forms R546W.
Identifiers: ClinVar variation 660727 (VCV000660727.10), dbSNP rs774648274, ClinGen allele CA536764.